The following is an entry in ClinVar:

NM_017617.5(NOTCH1):c.3778G>A (p.Val1260Met)

Gene: NOTCH1 (notch receptor 1; minus strand). Cytogenetic location: 9q34.3.
Variant type: single nucleotide variant.
Coding change: c.3778G>A on transcript NM_017617.5 (MANE Select); coding-DNA position 3778, G replaced by A.
Protein change: p.Val1260Met; replaces valine 1260 with methionine.
Molecular consequence: missense variant.
Genome position (GRCh38, 1-based): chr9:136,506,839, C>T on the plus strand (G>A on the coding strand, the complement: NOTCH1 is on the minus strand). VCF-style: chr9-136506839-C-T. GRCh37 (hg19) VCF-style: chr9-139401291-C-T.
Other names: short protein forms V1260M.
Identifiers: ClinVar variation 1208060 (VCV001208060.3), dbSNP rs751169922, ClinGen allele CA5340802.
Genomic context (GRCh38, chr9:136,506,839, plus strand): 5'-CACGGGCGTCGCAGGGATTGGACAGGCACTCGTTGACATCCCCCTCACAGCGCTCACCCA[C>T]GAAGCCCGGCGGGCAGGTGCAGCTGTAGCCGCCCACCTGGTCCACGCAGGTGCCGTTGTT-3'
Protein context (NP_060087.3, residues 1250-1270): GYSCTCPPGF[Val1260Met]GERCEGDVNE

ClinVar aggregate classification (germline): Uncertain significance (1 of 4 stars; one submission).

Allele frequency attached by ClinVar (database versions not stated): gnomAD exomes below 0.00001; TOPMed below 0.00001; ExAC 0.00002.
gnomAD v4.1: 6 of 1,612,132 alleles (0.00037%); highest among the groups gnomAD compares: South Asian, 0.0022%; no homozygotes.

Submission:

GeneDx
Classification: Uncertain significance. Last evaluated: 2019-05-28. Review status: criteria provided, single submitter. Criteria: GeneDx Variant Classification Process June 2021. Collection method: clinical testing. Allele origin: germline. Affected: yes.
Comment: Has not been previously published as pathogenic or benign to our knowledge; Not observed at a significant frequency in large population cohorts (Lek et al., 2016); In silico analysis, which includes protein predictors and evolutionary conservation, supports that this variant does not alter protein structure/function